The following is an entry in ClinVar:

NM_017849.4(TMEM127):c.324C>T (p.Leu108=)

Gene: TMEM127 (transmembrane protein 127; minus strand). Cytogenetic location: 2q11.2.
Variant type: single nucleotide variant.
Coding change: c.324C>T on transcript NM_017849.4 (MANE Select); coding-DNA position 324, C replaced by T.
Protein change: p.Leu108=; no amino-acid change (leucine 108 retained).
Molecular consequence: synonymous variant.
Genome position (GRCh38, 1-based): chr2:96,254,918, G>A on the plus strand (C>T on the coding strand, the complement: TMEM127 is on the minus strand). VCF-style: chr2-96254918-G-A. GRCh37 (hg19) VCF-style: chr2-96920656-G-A.
Other names: c.324C>T, p.Leu108= (NM_001193304.3).
Identifiers: ClinVar variation 184568 (VCV000184568.22), dbSNP rs148381232, ClinGen allele CA189320.

ClinVar aggregate classification (germline): Benign/Likely benign. Review status: criteria provided, multiple submitters, no conflicts (2 of 4 stars). 7 submissions from 7 submitters: Benign (1); Likely benign (6). Last evaluated 2026-07-30.

Conditions:
Hereditary pheochromocytoma and paraganglioma. Also called: Hereditary Paraganglioma-Pheochromocytoma Syndromes; Hereditary pheochromocytoma-paraganglioma; Hereditary paragangliomas and pheochromocytomas. Identifiers: Orphanet 29072, MedGen C4274332, MONDO:0017366.
Hereditary cancer-predisposing syndrome. Also called: Neoplastic Syndromes, Hereditary; Tumor predisposition; Hereditary Cancer Syndrome; Hereditary neoplastic syndrome. Identifiers: Orphanet 140162, MedGen C0027672, MeSH D009386, MONDO:0015356.

Allele frequency attached by ClinVar (database versions not stated): gnomAD exomes 0.00002 and 0.00011; TOPMed 0.00006; gnomAD 0.00007; ESP Exome Variant Server 0.00008.
gnomAD v4.1: 182 of 1,613,954 alleles (0.011%); highest among the groups gnomAD compares: Non-Finnish European, 0.014%; no homozygotes.

Submissions (7):

Myriad Genetics, Inc.
Classification: Benign for Hereditary pheochromocytoma and paraganglioma. Last evaluated: 2026-07-30. Review status: criteria provided, single submitter. Criteria: Myriad Autosomal Dominant, Autosomal Recessive and X-Linked Classification Criteria (2023). Collection method: clinical testing. Allele origin: unknown.
Comment: This variant is considered benign. This variant is a silent/synonymous amino acid change and it is not expected to impact splicing.

Labcorp Genetics (formerly Invitae), Labcorp
Classification: Likely benign for Hereditary pheochromocytoma and paraganglioma. Last evaluated: 2026-01-25. Review status: criteria provided, single submitter. Criteria: Invitae Variant Classification Sherloc (09022015). Collection method: clinical testing. Allele origin: germline.

Women's Health and Genetics/Laboratory Corporation of America, LabCorp
Classification: Likely benign. Last evaluated: 2025-07-20. Review status: criteria provided, single submitter. Criteria: LabCorp Variant Classification Summary - May 2015. Collection method: clinical testing. Allele origin: germline.

Blueprint Genetics
Classification: Likely benign. Last evaluated: 2024-10-28. Review status: criteria provided, single submitter. Criteria: ACMG Guidelines, 2015. Collection method: clinical testing. Allele origin: germline.

Sema4
Classification: Likely benign for Hereditary cancer-predisposing syndrome. Last evaluated: 2022-02-10. Review status: criteria provided, single submitter. Criteria: Sema4 Curation Guidelines. Collection method: curation. Allele origin: germline.

GeneDx
Classification: Likely benign. Last evaluated: 2018-07-06. Review status: criteria provided, single submitter. Criteria: GeneDx Variant Classification Process June 2021. Collection method: clinical testing. Allele origin: germline. Affected: yes.

Ambry Genetics
Classification: Likely benign for Hereditary cancer-predisposing syndrome. Last evaluated: 2014-12-04. Review status: criteria provided, single submitter. Criteria: Ambry Variant Classification Scheme 2023. Collection method: clinical testing. Allele origin: germline.